The following is an entry in ClinVar:

NM_001166108.2(PALLD):c.1076T>C (p.Val359Ala)

Gene: PALLD (palladin, cytoskeletal associated protein; plus strand). Cytogenetic location: 4q32.3.
Variant type: single nucleotide variant.
Coding change: c.1076T>C on transcript NM_001166108.2 (MANE Select); coding-DNA position 1076, T replaced by C.
Protein change: p.Val359Ala; replaces valine 359 with alanine.
Molecular consequence: missense variant. On other transcripts: 5 prime UTR variant (1).
Genome position (GRCh38, 1-based): chr4:168,668,357, T>C. VCF-style: chr4-168668357-T-C. GRCh37 (hg19) VCF-style: chr4-169589508-T-C.
Other names: c.-71T>C (NM_001166109.2); c.1076T>C, p.Val359Ala (NM_016081.4); short protein forms V359A.
Identifiers: ClinVar variation 2625558 (VCV002625558.2), dbSNP rs776534547, ClinGen allele CA3135502.

ClinVar aggregate classification (germline): Uncertain significance (1 of 4 stars; one submission).

Submission:

Ambry Genetics
Classification: Uncertain significance. Last evaluated: 2023-07-15. Review status: criteria provided, single submitter. Criteria: Ambry Variant Classification Scheme 2023. Collection method: clinical testing. Allele origin: germline.
Comment: The p.V359A variant (also known as c.1076T>C), located in coding exon 2 of the PALLD gene, results from a T to C substitution at nucleotide position 1076. The valine at codon 359 is replaced by alanine, an amino acid with similar properties. This amino acid position is conserved. In addition, the in silico prediction for this alteration is inconclusive. Since supporting evidence is limited at this time, the clinical significance of this alteration remains unclear.